The following is an entry in ClinVar:

ClinVar aggregate classification (germline): Likely benign. Review status: criteria provided, single submitter (1 of 4 stars). 2 submissions from 2 submitters: Likely benign (1). 1 of the submissions does not count toward it. Last evaluated 2024-01-15.

Conditions:
AHDC1-related disorder. Also called: AHDC1-related condition.

Allele frequency attached by ClinVar (database versions not stated): TOPMed 0.00003; gnomAD 0.00005.
gnomAD v4.1: 29 of 1,595,388 alleles (0.0018%); highest among the groups gnomAD compares: South Asian, 0.0089%; no homozygotes.

Submissions (2):

Labcorp Genetics (formerly Invitae), Labcorp
Classification: Likely benign. Last evaluated: 2024-01-15. Review status: criteria provided, single submitter. Criteria: Invitae Variant Classification Sherloc (09022015). Collection method: clinical testing. Allele origin: germline.

PreventionGenetics, part of Exact Sciences
Classification: Likely benign for AHDC1-related condition. Last evaluated: 2021-12-08. Review status: no assertion criteria provided. Collection method: clinical testing. Allele origin: germline. Not counted in ClinVar's aggregate classification.
Comment: This variant is classified as likely benign based on ACMG/AMP sequence variant interpretation guidelines (Richards et al. 2015 PMID: 25741868, with internal and published modifications).

NM_001371928.1(AHDC1):c.4650C>T (p.Pro1550=)

Gene: AHDC1 (AT-hook DNA binding motif containing 1; minus strand). Cytogenetic location: 1p36.11.
Variant type: single nucleotide variant.
Coding change: c.4650C>T on transcript NM_001371928.1 (MANE Select); coding-DNA position 4650, C replaced by T.
Protein change: p.Pro1550=; no amino-acid change (proline 1550 retained).
Molecular consequence: synonymous variant.
Genome position (GRCh38, 1-based): chr1:27,547,466, G>A on the plus strand (C>T on the coding strand, the complement: AHDC1 is on the minus strand). VCF-style: chr1-27547466-G-A. GRCh37 (hg19) VCF-style: chr1-27873977-G-A.
Other names: c.4650C>T, p.Pro1550= (NM_001029882.3); c.606C>T, p.Pro202= (NM_015699.1).
Identifiers: ClinVar variation 2723291 (VCV002723291.5), dbSNP rs753712788, ClinGen allele CA715312.